The following is an entry in ClinVar:

NC_000003.12:g.66534498_66579341dup

Genes: LOC123000071 (Sharpr-MPRA regulatory region 1089; plus strand), LOC126806706 (MED14-independent group 3 enhancer GRCh37_chr3:66604132-66605331; plus strand). Cytogenetic location: 3p14.1.
Variant type: Duplication.
Identifiers: ClinVar variation 156867 (VCV000156867.2).

ClinVar aggregate classification (germline): not provided (0 of 4 stars; one submission).

Conditions:
Small for gestational age. Also called: Low birth weight. Identifiers: MedGen C0235991, HP:0001518.

Submission:

Institute of Molecular and Cell Biology, University of Tartu
No classification provided. Condition: Small for gestational age. Review status: no classification provided. Collection method: case-control. Allele origin: unknown. Affected: yes. Study: Kasak2014.
Comment: The study aimed to determine the contribution of copy number variants in the genetic etiology of normal and complicated pregnancies. The samples represented (i) maternal blood DNA drawn from healthy pregnant women during 1st or 2nd trimester and (ii) maternal and paternal blood DNA drawn at term pregnancy cases representing normal and complicated gestations (severe preeclampsia, PE; gestational diabetes, GD; small-for-gestational age newborn, SGA; large-for-gestational age newborn, LGA). We performed CNV calling based on genome-wide genotyping dataset (Illumina HumanOmniExpress-24-v1 BeadChip) by applying three algorithms, QuantiSNP, GADA (Genome Alteration Detection Algorithm) and CNstream in parallel. The acquired CNV calls were merged with HD-CNV (Hotspot Detector for Copy Number Variants) program and only the CNVs predicted by at least two programs, were considered in subsequent analysis.

Literature cited by the submitters: PubMed 25666259.